The following is an entry in ClinVar:

ClinVar aggregate classification (germline): Uncertain significance (1 of 4 stars; one submission).

Conditions:
Catecholaminergic polymorphic ventricular tachycardia 1. Also called: VENTRICULAR TACHYCARDIA, STRESS-INDUCED POLYMORPHIC 1; VENTRICULAR TACHYCARDIA, CATECHOLAMINERGIC POLYMORPHIC, 1, WITH OR WITHOUT ATRIAL DYSFUNCTION AND/OR DILATED CARDIOMYOPATHY; RYR2-Related Catecholaminergic Polymorphic Ventricular Tachycardia. Identifiers: Orphanet 3286, MedGen C1631597, MONDO:0011484, OMIM 604772.

Submission:

Labcorp Genetics (formerly Invitae), Labcorp
Classification: Uncertain significance for Catecholaminergic polymorphic ventricular tachycardia 1. Last evaluated: 2017-06-05. Review status: criteria provided, single submitter. Criteria: Invitae Variant Classification Sherloc (09022015). Collection method: clinical testing. Allele origin: germline.
Comment: In summary, this variant has uncertain impact on RYR2 function. The available evidence is currently insufficient to determine its role in disease. Therefore, it has been classified as a Variant of Uncertain Significance. The current clinical and genetic evidence is not sufficient to establish whether loss-of-function variants in RYR2 cause disease. Algorithms developed to predict the effect of sequence changes on RNA splicing suggest that this variant may disrupt the consensus splice site, but this prediction has not been confirmed by published transcriptional studies. This variant has not been reported in the literature in individuals with a RYR2-related disease. This variant is not present in population databases (ExAC no frequency). This sequence change affects an acceptor splice site in intron 94 of the RYR2 gene. It is expected to disrupt RNA splicing and likely results in an absent or disrupted protein product.

NM_001035.3(RYR2):c.13783-2A>G

Gene: RYR2 (ryanodine receptor 2; plus strand). Cytogenetic location: 1q43.
Variant type: single nucleotide variant.
Coding change: c.13783-2A>G on transcript NM_001035.3 (MANE Select); the canonical splice acceptor site of the intron before coding-DNA position 13783, A replaced by G.
Molecular consequence: splice acceptor variant.
Genome position (GRCh38, 1-based): chr1:237,793,865, A>G. VCF-style: chr1-237793865-A-G. GRCh37 (hg19) VCF-style: chr1-237957165-A-G.
Identifiers: ClinVar variation 463571 (VCV000463571.8), dbSNP rs1553328145, ClinGen allele CA345417975.